The following is an entry in ClinVar:

NM_000081.4(LYST):c.6569T>A (p.Val2190Asp)

Gene: LYST (lysosomal trafficking regulator; minus strand). Cytogenetic location: 1q42.3.
Variant type: single nucleotide variant.
Coding change: c.6569T>A on transcript NM_000081.4 (MANE Select); coding-DNA position 6569, T replaced by A.
Protein change: p.Val2190Asp; replaces valine 2190 with aspartic acid.
Molecular consequence: missense variant.
Genome position (GRCh38, 1-based): chr1:235,759,284, A>T on the plus strand (T>A on the coding strand, the complement: LYST is on the minus strand). VCF-style: chr1-235759284-A-T. GRCh37 (hg19) VCF-style: chr1-235922584-A-T.
Other names: c.6569T>A, p.Val2190Asp (NM_001301365.1); short protein forms V2190D.
Identifiers: ClinVar variation 1018968 (VCV001018968.2), dbSNP rs1417178320, ClinGen allele CA344940845.
Genomic context (GRCh38, chr1:235,759,284, plus strand): 5'-TCTGCTCCCAACTGTTTATGATCTGCTTTGACCACTGGAAATCCCAGCACTCCCTTTGGG[A>T]CATCACTGACAGAGACCTGGGCTGAGAGGACAGCTTCCATTTCACAAACAGTTTTTGCAG-3'
Protein context (NP_000072.2, residues 2180-2200): VLSAQVSVSD[Val2190Asp]PKGVLGFPVV

ClinVar aggregate classification (germline): Uncertain significance (1 of 4 stars; one submission).

Conditions:
Chédiak-Higashi syndrome (CHS). Also called: Chediak-Higashi Syndrome. Identifiers: Orphanet 167, MedGen C0007965, MONDO:0008963, OMIM 214500.

Submission:

Labcorp Genetics (formerly Invitae), Labcorp
Classification: Uncertain significance for Chédiak-Higashi syndrome. Last evaluated: 2021-08-04. Review status: criteria provided, single submitter. Criteria: Invitae Variant Classification Sherloc (09022015). Collection method: clinical testing. Allele origin: germline.
Comment: This sequence change replaces valine with aspartic acid at codon 2190 of the LYST protein (p.Val2190Asp). The valine residue is moderately conserved and there is a large physicochemical difference between valine and aspartic acid. This variant is not present in population databases (ExAC no frequency). This variant has not been reported in the literature in individuals affected with LYST-related conditions. Algorithms developed to predict the effect of missense changes on protein structure and function are either unavailable or do not agree on the potential impact of this missense change (SIFT: "Deleterious"; PolyPhen-2: "Benign"; Align-GVGD: "Class C0"). In summary, the available evidence is currently insufficient to determine the role of this variant in disease. Therefore, it has been classified as a Variant of Uncertain Significance.